The following is an entry in ClinVar:

ClinVar aggregate classification (germline): Pathogenic (1 of 4 stars; one submission).

gnomAD v4.1: 4 of 1,614,206 alleles (0.00025%); highest among the groups gnomAD compares: Non-Finnish European, 0.00034%; no homozygotes.

Submission:

Labcorp Genetics (formerly Invitae), Labcorp
Classification: Pathogenic. Last evaluated: 2025-07-29. Review status: criteria provided, single submitter. Criteria: Invitae Variant Classification Sherloc (09022015). Collection method: clinical testing. Allele origin: germline.
Comment: This sequence change creates a premature translational stop signal (p.Lys94*) in the ABCG8 gene. It is expected to result in an absent or disrupted protein product. Loss-of-function variants in ABCG8 are known to be pathogenic (PMID: 11452359, 15375183, 16029460). This variant is not present in population databases (gnomAD no frequency). This variant has not been reported in the literature in individuals affected with ABCG8-related conditions. For these reasons, this variant has been classified as Pathogenic.

Literature cited by the submitters: PubMed 11452359; PubMed 15375183; PubMed 16029460.

NM_022437.3(ABCG8):c.280A>T (p.Lys94Ter)

Gene: ABCG8 (ATP binding cassette subfamily G member 8; plus strand). Cytogenetic location: 2p21.
Variant type: single nucleotide variant.
Coding change: c.280A>T on transcript NM_022437.3 (MANE Select); coding-DNA position 280, A replaced by T.
Protein change: p.Lys94Ter; replaces lysine 94 with a stop codon.
Molecular consequence: nonsense.
Genome position (GRCh38, 1-based): chr2:43,846,269, A>T. VCF-style: chr2-43846269-A-T. GRCh37 (hg19) VCF-style: chr2-44073408-A-T.
Other names: c.280A>T, p.Lys94Ter (NM_001357321.2); short protein forms K94*.
Identifiers: ClinVar variation 4706185 (VCV004706185.1).